The following is an entry in ClinVar:

ClinVar aggregate classification (germline): Conflicting classifications of pathogenicity. Review status: criteria provided, conflicting classifications (1 of 4 stars). 4 submissions from 4 submitters: Uncertain significance (3); Likely benign (1). Last evaluated 2024-06-26.

Conditions:
Osteogenesis imperfecta type 7 (OI7). Also called: OSTEOGENESIS IMPERFECTA, TYPE IIB; Osteogenesis imperfecta type 2B; OI type 2B; Osteogenesis imperfecta, perinatal lethal autosomal recessive; OI type IIB; OI type 7. Identifiers: MedGen C1853162, MONDO:0012536, OMIM 610682.

Allele frequency attached by ClinVar (database versions not stated): gnomAD exomes 0.00003 and 0.00007; ExAC 0.00010; TOPMed 0.00014; gnomAD 0.00017 and 0.00019; ESP Exome Variant Server 0.00031; 1000 Genomes Project 0.00060; 1000 Genomes Project 30x 0.00062.
gnomAD v4.1: 74 of 1,614,228 alleles (0.0046%); highest among the groups gnomAD compares: African/African-American, 0.065%; no homozygotes.

Submissions (4):

Blueprint Genetics
Classification: Likely benign. Last evaluated: 2024-06-26. Review status: criteria provided, single submitter. Criteria: ACMG Guidelines, 2015. Collection method: clinical testing. Allele origin: germline.

GeneDx
Classification: Uncertain significance. Last evaluated: 2024-05-06. Review status: criteria provided, single submitter. Criteria: GeneDx Variant Classification Process June 2021. Collection method: clinical testing. Allele origin: germline. Affected: yes.
Comment: In silico analysis supports that this missense variant does not alter protein structure/function; Has not been previously published as pathogenic or benign to our knowledge

Labcorp Genetics (formerly Invitae), Labcorp
Classification: Uncertain significance for Osteogenesis imperfecta type 7. Last evaluated: 2022-08-22. Review status: criteria provided, single submitter. Criteria: Invitae Variant Classification Sherloc (09022015). Collection method: clinical testing. Allele origin: germline.
Comment: This sequence change replaces lysine, which is basic and polar, with arginine, which is basic and polar, at codon 254 of the CRTAP protein (p.Lys254Arg). This variant is present in population databases (rs114245114, gnomAD 0.05%). This variant has not been reported in the literature in individuals affected with CRTAP-related conditions. ClinVar contains an entry for this variant (Variation ID: 1030103). Algorithms developed to predict the effect of missense changes on protein structure and function output the following: SIFT: "Tolerated"; PolyPhen-2: "Benign"; Align-GVGD: "Class C0". The arginine amino acid residue is found in multiple mammalian species, which suggests that this missense change does not adversely affect protein function. In summary, the available evidence is currently insufficient to determine the role of this variant in disease. Therefore, it has been classified as a Variant of Uncertain Significance.

Baylor Genetics
Classification: Uncertain significance for Osteogenesis imperfecta type 7. Last evaluated: 2019-07-19. Review status: criteria provided, single submitter. Criteria: ACMG Guidelines, 2015. Collection method: clinical testing. Allele origin: unknown. Affected: yes.
Comment: This variant was determined to be of uncertain significance according to ACMG Guidelines, 2015 [PMID:25741868].

NM_006371.5(CRTAP):c.761A>G (p.Lys254Arg)

Gene: CRTAP (cartilage associated protein; plus strand). Cytogenetic location: 3p22.3.
Variant type: single nucleotide variant.
Coding change: c.761A>G on transcript NM_006371.5 (MANE Select); coding-DNA position 761, A replaced by G.
Protein change: p.Lys254Arg; replaces lysine 254 with arginine.
Molecular consequence: missense variant.
Genome position (GRCh38, 1-based): chr3:33,124,547, A>G. VCF-style: chr3-33124547-A-G. GRCh37 (hg19) VCF-style: chr3-33166039-A-G.
Other names: short protein forms K254R.
Identifiers: ClinVar variation 1030103 (VCV001030103.6), dbSNP rs114245114, ClinGen allele CA2300381.